The following is an entry in ClinVar:

ClinVar aggregate classification (germline): Uncertain significance (1 of 4 stars; one submission).

Conditions:
Early-infantile DEE. Also called: Early infantile epileptic encephalopathy; Ohtahara syndrome; Early infantile epileptic encephalopathy with suppression bursts. Identifiers: Orphanet 1934, MedGen C0393706, MONDO:0800491.

gnomAD v4.1: 2 of 1,611,820 alleles (0.00012%); highest among the groups gnomAD compares: Admixed American, 0.0017%; no homozygotes.

Submission:

Labcorp Genetics (formerly Invitae), Labcorp
Classification: Uncertain significance for Early-infantile DEE. Last evaluated: 2022-03-24. Review status: criteria provided, single submitter. Criteria: Invitae Variant Classification Sherloc (09022015). Collection method: clinical testing. Allele origin: germline.
Comment: In summary, the available evidence is currently insufficient to determine the role of this variant in disease. Therefore, it has been classified as a Variant of Uncertain Significance. Algorithms developed to predict the effect of missense changes on protein structure and function are either unavailable or do not agree on the potential impact of this missense change (SIFT: "Deleterious"; PolyPhen-2: "Possibly Damaging"; Align-GVGD: "Class C0"). This variant has not been reported in the literature in individuals affected with CACNA2D2-related conditions. This variant is not present in population databases (gnomAD no frequency). This sequence change replaces arginine, which is basic and polar, with proline, which is neutral and non-polar, at codon 1062 of the CACNA2D2 protein (p.Arg1062Pro).

NM_006030.4(CACNA2D2):c.3185G>C (p.Arg1062Pro)

Genes: CACNA2D2 (calcium voltage-gated channel auxiliary subunit alpha2delta 2; minus strand), LOC127898564 (CYB561D2-LOC101928965; plus strand). Cytogenetic location: 3p21.31.
Variant type: single nucleotide variant.
Coding change: c.3185G>C on transcript NM_006030.4 (MANE Select); coding-DNA position 3185, G replaced by C.
Protein change: p.Arg1062Pro; replaces arginine 1062 with proline.
Molecular consequence: missense variant.
Genome position (GRCh38, 1-based): chr3:50,365,098, C>G on the plus strand (G>C on the coding strand, the complement: CACNA2D2 is on the minus strand). VCF-style: chr3-50365098-C-G. GRCh37 (hg19) VCF-style: chr3-50402529-C-G.
Other names: c.3185G>C, p.Arg1062Pro (NM_001005505.3); c.3206G>C, p.Arg1069Pro (NM_001174051.3); c.2978G>C, p.Arg993Pro (NM_001291101.1); short protein forms R1069P, R993P, R1062P.
Identifiers: ClinVar variation 1422685 (VCV001422685.7), dbSNP rs1704164021, ClinGen allele CA352900633.